The following is an entry in ClinVar:

NM_032578.4(MYPN):c.2399C>A (p.Ser800Tyr)

Gene: MYPN (myopalladin; plus strand). Cytogenetic location: 10q21.3.
Variant type: single nucleotide variant.
Coding change: c.2399C>A on transcript NM_032578.4 (MANE Select); coding-DNA position 2399, C replaced by A.
Protein change: p.Ser800Tyr; replaces serine 800 with tyrosine.
Molecular consequence: missense variant. On other transcripts: non-coding transcript variant (2).
Genome position (GRCh38, 1-based): chr10:68,174,491, C>A. VCF-style: chr10-68174491-C-A. GRCh37 (hg19) VCF-style: chr10-69934248-C-A.
Other names: c.2399C>A, p.Ser800Tyr (NM_001256267.2); c.1517C>A, p.Ser506Tyr (NM_001256268.2); short protein forms S506Y, S800Y.
Identifiers: ClinVar variation 5025302 (VCV005025302.1).

ClinVar aggregate classification (germline): Uncertain significance (1 of 4 stars; one submission).

Conditions:
Cardiovascular phenotype. Identifiers: MedGen CN230736.

Submission:

Ambry Genetics
Classification: Uncertain significance for Cardiovascular phenotype. Last evaluated: 2026-07-31. Review status: criteria provided, single submitter. Criteria: Ambry Variant Classification Scheme 2023. Collection method: clinical testing. Allele origin: germline.
Comment: The p.S800Y variant (also known as c.2399C>A), located in coding exon 10 of the MYPN gene, results from a C to A substitution at nucleotide position 2399. The serine at codon 800 is replaced by tyrosine, an amino acid with dissimilar properties. This amino acid position is conserved. In addition, this alteration is predicted to be tolerated by in silico analysis. Based on the available evidence, the clinical significance of this variant remains unclear.